The following is an entry in ClinVar:

NM_005732.4(RAD50):c.1392dup (p.Gln465fs)

Gene: RAD50 (RAD50 double strand break repair protein; plus strand). Cytogenetic location: 5q31.1.
Variant type: Duplication.
Coding change: c.1392dup on transcript NM_005732.4 (MANE Select); coding-DNA position 1392, one base duplicated (A; older notation c.1392dupA).
Protein change: p.Gln465fs; shifts the reading frame from glutamine 465.
Molecular consequence: frameshift variant.
Genome position (GRCh38, 1-based): chr5:132,589,777, A duplicated. VCF-style (leftmost placement, unchanged base first): chr5-132589776-T-TA. GRCh37 (hg19) VCF-style: chr5-131925468-T-TA.
Other names: short protein forms Q465fs.
Identifiers: ClinVar variation 1999264 (VCV001999264.4), dbSNP rs2479637278, ClinGen allele CA2580072720.

ClinVar aggregate classification (germline): Pathogenic (1 of 4 stars; one submission).

Conditions:
Hereditary cancer-predisposing syndrome. Also called: Neoplastic Syndromes, Hereditary; Hereditary neoplastic syndrome; Tumor predisposition; Hereditary Cancer Syndrome. Identifiers: Orphanet 140162, MedGen C0027672, MeSH D009386, MONDO:0015356.

Submission:

Labcorp Genetics (formerly Invitae), Labcorp
Classification: Pathogenic for Hereditary cancer-predisposing syndrome. Last evaluated: 2023-08-24. Review status: criteria provided, single submitter. Criteria: Invitae Variant Classification Sherloc (09022015). Collection method: clinical testing. Allele origin: germline.
Comment: This variant has not been reported in the literature in individuals affected with RAD50-related conditions. ClinVar contains an entry for this variant (Variation ID: 1999264). For these reasons, this variant has been classified as Pathogenic. This variant is not present in population databases (gnomAD no frequency). This sequence change creates a premature translational stop signal (p.Gln465Thrfs*12) in the RAD50 gene. It is expected to result in an absent or disrupted protein product. Loss-of-function variants in RAD50 are known to be pathogenic (PMID: 19409520).

Literature cited by the submitters: PubMed 19409520.